The following is an entry in ClinVar:

NM_002292.4(LAMB2):c.659G>A (p.Arg220His)

Gene: LAMB2 (laminin subunit beta 2; minus strand). Cytogenetic location: 3p21.31.
Variant type: single nucleotide variant.
Coding change: c.659G>A on transcript NM_002292.4 (MANE Select); coding-DNA position 659, G replaced by A.
Protein change: p.Arg220His; replaces arginine 220 with histidine.
Molecular consequence: missense variant.
Genome position (GRCh38, 1-based): chr3:49,131,432, C>T on the plus strand (G>A on the coding strand, the complement: LAMB2 is on the minus strand). VCF-style: chr3-49131432-C-T. GRCh37 (hg19) VCF-style: chr3-49168865-C-T.
Other names: short protein forms R220H.
Identifiers: ClinVar variation 2145056 (VCV002145056.4), dbSNP rs770390029, ClinGen allele CA2394854.

ClinVar aggregate classification (germline): Uncertain significance (1 of 4 stars; one submission).

Conditions:
Pierson syndrome. Also called: MICROCORIA-CONGENITAL NEPHROTIC SYNDROME. Identifiers: Orphanet 2670, MedGen C1836876, MONDO:0012184, OMIM 609049.
LAMB2-related infantile-onset nephrotic syndrome. Also called: Nephrotic Syndrome, type 5; NEPHROTIC SYNDROME, TYPE 5, WITHOUT OCULAR ABNORMALITIES; NEPHROTIC SYNDROME, TYPE 5, WITH OCULAR ABNORMALITIES. Identifiers: Orphanet 306507, MedGen C3280113, MONDO:0013621, OMIM 614199.

Allele frequency attached by ClinVar (database versions not stated): gnomAD exomes below 0.00001; ExAC 0.00001.
gnomAD v4.1: 8 of 1,614,068 alleles (0.0005%); highest among the groups gnomAD compares: Admixed American, 0.0017%; no homozygotes.

Submission:

Labcorp Genetics (formerly Invitae), Labcorp
Classification: Uncertain significance for LAMB2-related infantile-onset nephrotic syndrome; Pierson syndrome. Last evaluated: 2022-11-08. Review status: criteria provided, single submitter. Criteria: Invitae Variant Classification Sherloc (09022015). Collection method: clinical testing. Allele origin: germline.
Comment: This variant is present in population databases (rs770390029, gnomAD 0.003%). This sequence change replaces arginine, which is basic and polar, with histidine, which is basic and polar, at codon 220 of the LAMB2 protein (p.Arg220His). This variant has not been reported in the literature in individuals affected with LAMB2-related conditions. In summary, the available evidence is currently insufficient to determine the role of this variant in disease. Therefore, it has been classified as a Variant of Uncertain Significance. Algorithms developed to predict the effect of missense changes on protein structure and function are either unavailable or do not agree on the potential impact of this missense change (SIFT: "Deleterious"; PolyPhen-2: "Probably Damaging"; Align-GVGD: "Class C0").